The following is an entry in ClinVar:

ClinVar aggregate classification (germline): Likely benign. Review status: criteria provided, multiple submitters, no conflicts (2 of 4 stars). 2 submissions from 2 submitters: Likely benign (2). Last evaluated 2023-01-01.

Submissions (2):

CeGaT Center for Human Genetics Tuebingen
Classification: Likely benign. Last evaluated: 2023-01-01. Review status: criteria provided, single submitter. Criteria: CeGaT Center For Human Genetics Tuebingen Variant Classification Criteria Version 2. Collection method: clinical testing. Allele origin: germline. Affected: yes. Observed: 1 variant allele.
Comment: NIN: BP4, BP7

Labcorp Genetics (formerly Invitae), Labcorp
Classification: Likely benign. Last evaluated: 2018-07-11. Review status: criteria provided, single submitter. Criteria: Invitae Variant Classification Sherloc (09022015). Collection method: clinical testing. Allele origin: germline.

NM_020921.4(NIN):c.933G>T (p.Leu311=)

Gene: NIN (ninein; minus strand). Cytogenetic location: 14q22.1.
Variant type: single nucleotide variant.
Coding change: c.933G>T on transcript NM_020921.4 (MANE Select); coding-DNA position 933, G replaced by T.
Protein change: p.Leu311=; no amino-acid change (leucine 311 retained).
Molecular consequence: synonymous variant.
Genome position (GRCh38, 1-based): chr14:50,772,349, C>A on the plus strand (G>T on the coding strand, the complement: NIN is on the minus strand). VCF-style: chr14-50772349-C-A. GRCh37 (hg19) VCF-style: chr14-51239067-C-A.
Other names: c.933G>T, p.Leu311= (NM_016350.5, NM_182944.3, NM_182946.2).
Identifiers: ClinVar variation 758730 (VCV000758730.27), dbSNP rs8020503, ClinGen allele CA7182331.
Genomic context (GRCh38, chr14:50,772,349, plus strand): 5'-TAGCTGCCACACCTTCAGGATCTCCTGGCTGTTCTCAATGCCCTCTTCCTGCCAGGTGTC[C>A]AGTATTCTCTCCACAGATGCATGGCCCATCCCATCATCCAGGCAGGAGAAGACCCGAAAG-3'
Protein context (NP_065972.4, residues 301-321): GMGHASVERI[Leu311=]DTWQEEGIEN